The following is an entry in ClinVar:

NM_014927.5(CNKSR2):c.179T>C (p.Ile60Thr)

Gene: CNKSR2 (connector enhancer of kinase suppressor of Ras 2; plus strand). Cytogenetic location: Xp22.12.
Variant type: single nucleotide variant.
Coding change: c.179T>C on transcript NM_014927.5 (MANE Select); coding-DNA position 179, T replaced by C.
Protein change: p.Ile60Thr; replaces isoleucine 60 with threonine.
Molecular consequence: missense variant.
Genome position (GRCh38, 1-based): chrX:21,426,611, T>C. VCF-style: chrX-21426611-T-C. GRCh37 (hg19) VCF-style: chrX-21444729-T-C.
Other names: c.179T>C, p.Ile60Thr (NM_001168647.3, NM_001168648.3, NM_001168649.3 and 4 more transcripts); short protein forms I60T.
Identifiers: ClinVar variation 3146483 (VCV003146483.1), dbSNP rs2518787800, ClinGen allele CA412551776.

ClinVar aggregate classification (germline): Uncertain significance (1 of 4 stars; one submission).

Conditions:
Inborn genetic diseases. Identifiers: MedGen C0950123, MeSH D030342.

Submission:

Ambry Genetics
Classification: Uncertain significance for Inborn genetic diseases. Last evaluated: 2023-12-15. Review status: criteria provided, single submitter. Criteria: Ambry Variant Classification Scheme 2023. Collection method: clinical testing. Allele origin: germline.
Comment: The c.179T>C (p.I60T) alteration is located in exon 2 (coding exon 2) of the CNKSR2 gene. This alteration results from a T to C substitution at nucleotide position 179, causing the isoleucine (I) at amino acid position 60 to be replaced by a threonine (T). This variant was not reported in population-based cohorts in the Genome Aggregation Database (gnomAD). This amino acid position is highly conserved in available vertebrate species. This alteration is predicted to be deleterious by in silico analysis. Based on insufficient or conflicting evidence, the clinical significance of this alteration remains unclear.